The following is an entry in ClinVar:

ClinVar aggregate classification (germline): Pathogenic, low penetrance. Review status: criteria provided, single submitter (1 of 4 stars). 2 submissions from 2 submitters: Pathogenic, low penetrance (1). 1 of the submissions does not count toward it. Last evaluated 2025-09-26.

Conditions:
Atypical hemolytic-uremic syndrome. Identifiers: Orphanet 2134, MedGen C2931788, MONDO:0016244.

Submissions (2):

Genomenon, Inc
Classification: Pathogenic, low penetrance for Atypical hemolytic-uremic syndrome. Last evaluated: 2025-09-26. Review status: criteria provided, single submitter. Criteria: Genomenon Sequence Variant Interpretation Standards - Updated. Collection method: curation. Allele origin: germline. Affected: yes.
Comment: DGKE p.Gln334Ter (c.1000C>T) is a nonsense variant that introduces a premature stop codon at amino acid position 334, creating a truncated protein that is predicted to undergo nonsense-mediated mRNA decay. This variant has been observed in at least one proband affected with atypical hemolytic-uremic syndrome (PMID:23542698). It is absent or not present at a significant frequency in gnomAD. In conclusion, we classify DGKE p.Gln334Ter (c.1000C>T) as a pathogenic, low penetrance variant.

Richard Lifton Laboratory, Yale University School of Medicine
Classification: Likely pathogenic for Atypical hemolytic uremic syndrome. Review status: no assertion criteria provided. Collection method: not provided. Allele origin: germline. Not counted in ClinVar's aggregate classification.
Comment: Autosomal recessive variant
ClinVar note: Converted during submission from probable-pathogenic to Likely pathogenic.

Literature cited by the submitters: PubMed 23542698 (cited by Genomenon, Inc); PubMed 24747643 (cited by Richard Lifton Laboratory, Yale University School of Medicine).

NM_003647.3(DGKE):c.1000C>T (p.Gln334Ter)

Gene: DGKE (diacylglycerol kinase epsilon; plus strand). Cytogenetic location: 17q22.
Variant type: single nucleotide variant.
Coding change: c.1000C>T on transcript NM_003647.3 (MANE Select); coding-DNA position 1000, C replaced by T.
Protein change: p.Gln334Ter; replaces glutamine 334 with a stop codon.
Molecular consequence: nonsense.
Genome position (GRCh38, 1-based): chr17:56,848,807, C>T. VCF-style: chr17-56848807-C-T. GRCh37 (hg19) VCF-style: chr17-54926168-C-T.
Other names: short protein forms Q334*.
Identifiers: ClinVar variation 135637 (VCV000135637.3), dbSNP rs312262697, ClinGen allele CA332170.